The following is an entry in ClinVar:

NM_001384140.1(PCDH15):c.2001G>A (p.Thr667=)

Gene: PCDH15 (protocadherin related 15; minus strand). Cytogenetic location: 10q21.1.
Variant type: single nucleotide variant.
Coding change: c.2001G>A on transcript NM_001384140.1 (MANE Select); coding-DNA position 2001, G replaced by A.
Protein change: p.Thr667=; no amino-acid change (threonine 667 retained).
Molecular consequence: synonymous variant.
Genome position (GRCh38, 1-based): chr10:54,079,421, C>T on the plus strand (G>A on the coding strand, the complement: PCDH15 is on the minus strand). VCF-style: chr10-54079421-C-T. GRCh37 (hg19) VCF-style: chr10-55839181-C-T.
Other names: c.2016G>A, p.Thr672= (NM_001142763.2, NM_001142771.2); c.2001G>A, p.Thr667= (NM_001142764.2, NM_001142766.2, NM_001142770.3 and 5 more transcripts); c.1788G>A, p.Thr596= (NM_001142765.2); c.1890G>A, p.Thr630= (NM_001142767.2); c.1935G>A, p.Thr645= (NM_001142768.2, NM_001142773.2, NM_001354404.2); c.2037G>A, p.Thr679= (NM_001142769.4); c.2022G>A, p.Thr674= (NM_001354411.2).
Identifiers: ClinVar variation 846921 (VCV000846921.8), dbSNP rs200699443, ClinGen allele CA5506155.

ClinVar aggregate classification (germline): Uncertain significance. Review status: criteria provided, single submitter (1 of 4 stars). 2 submissions from 2 submitters: Uncertain significance (1). 1 of the submissions does not count toward it. Last evaluated 2022-09-13.

Conditions:
Usher syndrome type 1F (USH1F). Also called: USHER SYNDROME, TYPE IF. Identifiers: Orphanet 231169, Orphanet 886, MedGen C1865885, MONDO:0011186, OMIM 602083.

Allele frequency attached by ClinVar (database versions not stated): TOPMed 0.00001; 1000 Genomes Project 30x 0.00031; 1000 Genomes Project 0.00040.
gnomAD v4.1: 65 of 1,613,624 alleles (0.004%); highest among the groups gnomAD compares: East Asian, 0.042%; no homozygotes.

Submissions (2):

Labcorp Genetics (formerly Invitae), Labcorp
Classification: Uncertain significance. Last evaluated: 2022-09-13. Review status: criteria provided, single submitter. Criteria: Invitae Variant Classification Sherloc (09022015). Collection method: clinical testing. Allele origin: germline.
Comment: This sequence change affects codon 667 of the PCDH15 mRNA. It is a 'silent' change, meaning that it does not change the encoded amino acid sequence of the PCDH15 protein. This variant is present in population databases (rs200699443, gnomAD 0.02%). This variant has not been reported in the literature in individuals affected with PCDH15-related conditions. ClinVar contains an entry for this variant (Variation ID: 846921). Algorithms developed to predict the effect of sequence changes on RNA splicing suggest that this variant may create or strengthen a splice site. In summary, the available evidence is currently insufficient to determine the role of this variant in disease. Therefore, it has been classified as a Variant of Uncertain Significance.

Natera, Inc.
Classification: Uncertain significance for Usher syndrome type 1F. Last evaluated: 2020-01-24. Review status: no assertion criteria provided. Collection method: clinical testing. Allele origin: germline. Not counted in ClinVar's aggregate classification.